The following is an entry in ClinVar:

ClinVar aggregate classification (germline): Likely pathogenic (1 of 4 stars; one submission).

Conditions:
Autosomal recessive hypophosphatemic bone disease (HHRH). Also called: HYPERCALCIURIC RICKETS; Hypophosphatemic rickets with hypercalciuria. Identifiers: Orphanet 157215, MedGen C1853271, MONDO:0009431, OMIM 241530.

Submission:

Rare Kidney Stone Consortium and the Mayo Clinic Hyperoxaluria Center, Mayo Clinic
Classification: Likely pathogenic for Autosomal recessive hypophosphatemic bone disease. Last evaluated: 2025-10-03. Review status: criteria provided, single submitter. Criteria: ACMG Guidelines, 2015. Collection method: research. Allele origin: germline. Affected: yes. Observed: 1 variant allele.
Comment: ACMG:PVS1, PM2, PM6, PP4

Literature cited by the submitters: PubMed 40794449.

NM_001177316.2(SLC34A3):c.1336-2A>C

Gene: SLC34A3 (solute carrier family 34 member 3; plus strand). Cytogenetic location: 9q34.3.
Variant type: single nucleotide variant.
Coding change: c.1336-2A>C on transcript NM_001177316.2 (MANE Select); the canonical splice acceptor site of the intron before coding-DNA position 1336, A replaced by C.
Molecular consequence: splice acceptor variant.
Genome position (GRCh38, 1-based): chr9:137,235,950, A>C. VCF-style: chr9-137235950-A-C. GRCh37 (hg19) VCF-style: chr9-140130402-A-C.
Other names: c.1336-2A>C (NM_001177317.2, NM_080877.3).
Identifiers: ClinVar variation 4526814 (VCV004526814.1).